The following is an entry in ClinVar:

NM_001384732.1(CPLANE1):c.2208T>C (p.Ser736=)

Gene: CPLANE1 (ciliogenesis and planar polarity effector complex subunit 1; minus strand). Cytogenetic location: 5p13.2.
Variant type: single nucleotide variant.
Coding change: c.2208T>C on transcript NM_001384732.1 (MANE Select); coding-DNA position 2208, T replaced by C.
Protein change: p.Ser736=; no amino-acid change (serine 736 retained).
Molecular consequence: synonymous variant.
Genome position (GRCh38, 1-based): chr5:37,226,387, A>G on the plus strand (T>C on the coding strand, the complement: CPLANE1 is on the minus strand). VCF-style: chr5-37226387-A-G. GRCh37 (hg19) VCF-style: chr5-37226489-A-G.
Other names: c.2208T>C, p.Ser736= (NM_023073.4).
Identifiers: ClinVar variation 1539943 (VCV001539943.10), dbSNP rs1561663335, ClinGen allele CA443917559.
Genomic context (GRCh38, chr5:37,226,387, plus strand): 5'-ATTTACTACTTGAGGATGAATCTTGAAAAATGAGTTCCAAGACCAGTTTTTCTGAAAACC[A>G]CTATCTTGAAACATCTGAAAAATAGGTACCACCAATGAGTCTTGAGCTGTTATTTTACTT-3'
Protein context (NP_001371661.1, residues 726-746): VVPIFQMFQD[Ser736=]GFQKNWSWNS

ClinVar aggregate classification (germline): Likely benign. Review status: criteria provided, multiple submitters, no conflicts (2 of 4 stars). 3 submissions from 3 submitters: Likely benign (2). 1 of the submissions does not count toward it. Last evaluated 2022-07-19.

Conditions:
Orofaciodigital syndrome type 6 (OFD6). Also called: OROFACIODIGITAL SYNDROME VI; OFDS VI; POLYDACTYLY, CLEFT LIP/PALATE OR LINGUAL LUMP, AND PSYCHOMOTOR RETARDATION; VARADI SYNDROME; VARADI-PAPP SYNDROME; Oral-facial-digital syndrome type 6. Identifiers: Orphanet 2754, MedGen C2745997, MONDO:0010176, OMIM 277170.
Joubert syndrome 17 (JBTS17). Identifiers: Orphanet 475, MedGen C3553264, MONDO:0013824, OMIM 614615.
CPLANE1-related disorder. Also called: CPLANE1-related condition.

Allele frequency attached by ClinVar (database versions not stated): gnomAD exomes 0.00001 and 0.00002.
gnomAD v4.1: 22 of 1,549,186 alleles (0.0014%); highest among the groups gnomAD compares: Non-Finnish European, 0.0019%; no homozygotes.

Submissions (3):

Labcorp Genetics (formerly Invitae), Labcorp
Classification: Likely benign. Last evaluated: 2022-07-19. Review status: criteria provided, single submitter. Criteria: Invitae Variant Classification Sherloc (09022015). Collection method: clinical testing. Allele origin: germline.

Fulgent Genetics
Classification: Likely benign for Orofaciodigital syndrome type 6; Joubert syndrome 17. Last evaluated: 2022-04-08. Review status: criteria provided, single submitter. Criteria: ACMG Guidelines, 2015. Collection method: clinical testing. Allele origin: unknown.

PreventionGenetics, part of Exact Sciences
Classification: Likely benign for CPLANE1-related condition. Last evaluated: 2020-02-18. Review status: no assertion criteria provided. Collection method: clinical testing. Allele origin: germline. Not counted in ClinVar's aggregate classification.
Comment: This variant is classified as likely benign based on ACMG/AMP sequence variant interpretation guidelines (Richards et al. 2015 PMID: 25741868, with internal and published modifications).